The following is an entry in ClinVar:

NM_004304.5(ALK):c.2518A>T (p.Ile840Phe)

Gene: ALK (ALK receptor tyrosine kinase; minus strand). Cytogenetic location: 2p23.2.
Variant type: single nucleotide variant.
Coding change: c.2518A>T on transcript NM_004304.5 (MANE Select); coding-DNA position 2518, A replaced by T.
Protein change: p.Ile840Phe; replaces isoleucine 840 with phenylalanine.
Molecular consequence: missense variant.
Genome position (GRCh38, 1-based): chr2:29,232,418, T>A on the plus strand (A>T on the coding strand, the complement: ALK is on the minus strand). VCF-style: chr2-29232418-T-A. GRCh37 (hg19) VCF-style: chr2-29455284-T-A.
Other names: short protein forms I840F.
Identifiers: ClinVar variation 4679545 (VCV004679545.1).

ClinVar aggregate classification (germline): Uncertain significance (1 of 4 stars; one submission).

Conditions:
Hereditary cancer-predisposing syndrome. Also called: Neoplastic Syndromes, Hereditary; Tumor predisposition; Hereditary Cancer Syndrome; Hereditary neoplastic syndrome. Identifiers: Orphanet 140162, MedGen C0027672, MeSH D009386, MONDO:0015356.

Submission:

Ambry Genetics
Classification: Uncertain significance for Hereditary cancer-predisposing syndrome. Last evaluated: 2025-11-17. Review status: criteria provided, single submitter. Criteria: Ambry Variant Classification Scheme 2023. Collection method: clinical testing. Allele origin: germline.
Comment: The p.I840F variant (also known as c.2518A>T), located in coding exon 15 of the ALK gene, results from an A to T substitution at nucleotide position 2518. The isoleucine at codon 840 is replaced by phenylalanine, an amino acid with highly similar properties. This amino acid position is conserved. In addition, this alteration is predicted to be tolerated by in silico analysis. Based on the available evidence, the clinical significance of this variant remains unclear.